The following is an entry in ClinVar:

NM_000257.4(MYH7):c.3152C>T (p.Ala1051Val)

Gene: MYH7 (myosin heavy chain 7; minus strand). Cytogenetic location: 14q11.2.
Variant type: single nucleotide variant.
Coding change: c.3152C>T on transcript NM_000257.4 (MANE Select); coding-DNA position 3152, C replaced by T.
Protein change: p.Ala1051Val; replaces alanine 1051 with valine.
Molecular consequence: missense variant.
Genome position (GRCh38, 1-based): chr14:23,422,273, G>A on the plus strand (C>T on the coding strand, the complement: MYH7 is on the minus strand). VCF-style: chr14-23422273-G-A. GRCh37 (hg19) VCF-style: chr14-23891482-G-A.
Other names: short protein forms A1051V.
Identifiers: ClinVar variation 177851 (VCV000177851.27), dbSNP rs727504358, ClinGen allele CA013389.

ClinVar aggregate classification (germline): Uncertain significance. Review status: criteria provided, multiple submitters, no conflicts (2 of 4 stars). 8 submissions from 8 submitters: Uncertain significance (7). 1 of the submissions does not count toward it. Last evaluated 2025-11-05.

Conditions:
Cardiomyopathy (CMYO). Also called: Cardiomyopathies. Identifiers: Orphanet 167848, MedGen C0878544, MONDO:0004994, HP:0001638. Inheritance: Various modes of inheritance.
Cardiovascular phenotype. Identifiers: MedGen CN230736.
Hypertrophic cardiomyopathy. Also called: HYPERTROPHIC MYOCARDIOPATHY. Identifiers: Orphanet 217569, MedGen C0007194, MeSH D002312, MONDO:0005045, HP:0001639.
Hypertrophic cardiomyopathy 1 (CMH1). Also called: Familial hypertrophic cardiomyopathy 1; MYH7-Related Familial Hypertrophic Cardiomyopathy. Identifiers: MedGen C3495498, MONDO:0008647, OMIM 192600.

Allele frequency attached by ClinVar (database versions not stated): gnomAD 0.00001; ExAC 0.00002; gnomAD exomes 0.00002 and 0.00003; TOPMed 0.00002.
gnomAD v4.1: 40 of 1,613,990 alleles (0.0025%); highest among the groups gnomAD compares: South Asian, 0.0099%; no homozygotes.

Submissions (8):

Color Diagnostics, LLC DBA Color Health
Classification: Uncertain significance for Cardiomyopathy. Last evaluated: 2025-11-05. Review status: criteria provided, single submitter. Criteria: ACMG Guidelines, 2015. Collection method: clinical testing. Allele origin: germline.
Comment: This missense variant replaces alanine with valine at codon 1051 of the MYH7 protein. Computational prediction tools indicate that this variant has a neutral impact on protein structure and function. To our knowledge, functional studies have not been reported for this variant. This variant has been reported in two individuals affected with hypertrophic cardiomyopathy (PMID: 28356264, 32894683) and in an individual affected with dilated cardiomyopathy (PMID: 22464770). This variant has been identified in 40/1613990 chromosomes in the general population by the Genome Aggregation Database (gnomAD). The available evidence is insufficient to determine the role of this variant in disease conclusively. Therefore, this variant is classified as a Variant of Uncertain Significance.

Labcorp Genetics (formerly Invitae), Labcorp
Classification: Uncertain significance for Hypertrophic cardiomyopathy. Last evaluated: 2025-06-11. Review status: criteria provided, single submitter. Criteria: Invitae Variant Classification Sherloc (09022015). Collection method: clinical testing. Allele origin: germline.
Comment: This sequence change replaces alanine, which is neutral and non-polar, with valine, which is neutral and non-polar, at codon 1051 of the MYH7 protein (p.Ala1051Val). This variant is present in population databases (rs727504358, gnomAD 0.01%). This missense change has been observed in individual(s) with dilated cardiomyopathy and/or hypertrophic cardiomyopathy (PMID: 22464770, 28356264, 32894683). ClinVar contains an entry for this variant (Variation ID: 177851). Invitae Evidence Modeling of protein sequence and biophysical properties (such as structural, functional, and spatial information, amino acid conservation, physicochemical variation, residue mobility, and thermodynamic stability) has been performed for this missense variant. However, the output from this modeling did not meet the statistical confidence thresholds required to predict the impact of this variant on MYH7 protein function. In summary, the available evidence is currently insufficient to determine the role of this variant in disease. Therefore, it has been classified as a Variant of Uncertain Significance.

Ambry Genetics
Classification: Uncertain significance for Cardiovascular phenotype. Last evaluated: 2025-04-08. Review status: criteria provided, single submitter. Criteria: Ambry Variant Classification Scheme 2023. Collection method: clinical testing. Allele origin: germline.
Comment: The p.A1051V variant (also known as c.3152C>T), located in coding exon 23 of the MYH7 gene, results from a C to T substitution at nucleotide position 3152. The alanine at codon 1051 is replaced by valine, an amino acid with similar properties. This variant has been reported in hypertrophic cardiomyopathy and dilated cardiomyopathy cohorts with limited clinical details provided (Lakdawala NK et al. J Card Fail, 2012 Apr;18:296-303; G&oacute;mez J et al. Circ Cardiovasc Genet, 2017 Apr;10; Bick AG et al. Proc Natl Acad Sci U S A, 2017 10;114:E9096-E9104; Bos JM et al. Mayo Clin Proc, 2014 Jun;89:727-37; Janin A et al. Mol Diagn Ther, 2021 May;25:373-385). This amino acid position is well conserved in available vertebrate species; however, valine is the reference amino acid in other vertebrate species. In addition, the in silico prediction for this alteration is inconclusive. Since supporting evidence is limited at this time, the clinical significance of this alteration remains unclear.

Blueprint Genetics
Classification: Uncertain significance. Last evaluated: 2024-04-19. Review status: criteria provided, single submitter. Criteria: ACMG Guidelines, 2015. Collection method: clinical testing. Allele origin: germline.

All of Us Research Program, National Institutes of Health
Classification: Uncertain significance for Cardiomyopathy. Last evaluated: 2023-11-30. Review status: criteria provided, single submitter. Criteria: ACMG Guidelines, 2015. Collection method: clinical testing. Allele origin: germline. Inheritance: Autosomal dominant inheritance. Observed: 4 variant alleles, 4 heterozygotes.
Comment: This missense variant replaces alanine with valine at codon 1051 of the MYH7 protein. Computational prediction suggests that this variant may not impact protein structure and function (internally defined REVEL score threshold <= 0.5, PMID: 27666373). To our knowledge, functional studies have not been reported for this variant. This variant has been reported in individuals affected with hypertrophic cardiomyopathy (PMID: 28356264, 32894683) and in an individual affected with dilated cardiomyopathy (PMID: 22464770). This variant has been identified in 7/251476 chromosomes in the general population by the Genome Aggregation Database (gnomAD). The available evidence is insufficient to determine the role of this variant in disease conclusively. Therefore, this variant is classified as a Variant of Uncertain Significance.

This study involves interpretation of variants in research participants for the purpose of population health screening. Participant phenotype was not available at the time of variant classification. Additional details can be found in publication PMID: 35346344, PMCID: PMC8962531

GeneDx
Classification: Uncertain significance. Last evaluated: 2023-09-19. Review status: criteria provided, single submitter. Criteria: GeneDx Variant Classification Process June 2021. Collection method: clinical testing. Allele origin: germline. Affected: yes.
Comment: Observed in a patients with HCM or DCM in the published literature (PMID: 22464770, 32894683); In silico analysis supports that this missense variant has a deleterious effect on protein structure/function; This variant is associated with the following publications: (PMID: 22464770, 32894683)

Mendelics
Classification: Uncertain significance for Hypertrophic cardiomyopathy 1. Last evaluated: 2019-05-28. Review status: criteria provided, single submitter. Criteria: Mendelics Assertion Criteria 2017. Collection method: clinical testing. Allele origin: unknown.

Laboratory for Molecular Medicine, Mass General Brigham Personalized Medicine
Classification: Uncertain significance. Last evaluated: 2013-01-23. Review status: no assertion criteria provided. Collection method: clinical testing. Allele origin: germline. Observed: 1 variant allele. Not counted in ClinVar's aggregate classification.
Comment: proposed classification - variant undergoing re-assessment, contact laboratory

Literature cited by the submitters: PubMed 22464770 (cited by 4 submitters); PubMed 28356264 (cited by 4 submitters); PubMed 32894683 (cited by 4 submitters); PubMed 24793961 (cited by Ambry Genetics); PubMed 29073106 (cited by Ambry Genetics); PubMed 33954932 (cited by Ambry Genetics).